The following is an entry in ClinVar:

NM_000531.6(OTC):c.906del (p.Cys303fs)

Gene: OTC (ornithine transcarbamylase; plus strand). Cytogenetic location: Xp11.4.
Variant type: Deletion.
Coding change: c.906del on transcript NM_000531.6 (MANE Select); coding-DNA position 906, one base deleted (C; older notation c.906delC).
Protein change: p.Cys303fs; shifts the reading frame from cysteine 303.
Molecular consequence: frameshift variant.
Genome position (GRCh38, 1-based): chrX:38,411,900, C deleted. VCF-style (leftmost placement, unchanged base first): chrX-38411899-AC-A. GRCh37 (hg19) VCF-style: chrX-38271152-AC-A.
Other names: short protein forms C303fs.
Identifiers: ClinVar variation 97355 (VCV000097355.2), dbSNP rs67870245, ClinGen allele CA224829.

ClinVar aggregate classification (germline): Pathogenic (0 of 4 stars; one submission).

Submission:

GenMed Metabolism Lab
Classification: Pathogenic. Review status: no assertion criteria provided. Collection method: not provided. Allele origin: unknown.
ClinVar note: Converted during submission from pathogenic to Pathogenic.